The following is an entry in ClinVar:

ClinVar aggregate classification (germline): Conflicting classifications of pathogenicity. Review status: criteria provided, conflicting classifications (1 of 4 stars). 3 submissions from 3 submitters: Uncertain significance (1); Likely benign (1). 1 of the submissions does not count toward it. Last evaluated 2021-08-19.

Conditions:
ARMC5-related disorder. Also called: ARMC5-related condition.
Inborn genetic diseases. Identifiers: MedGen C0950123, MeSH D030342.

Allele frequency attached by ClinVar (database versions not stated): ESP Exome Variant Server 0.00017; 1000 Genomes Project 0.00020; gnomAD exomes 0.00058; gnomAD 0.00059 and 0.00060; 1000 Genomes Project 30x 0.00062; TOPMed 0.00066.
gnomAD v4.1: 937 of 1,602,822 alleles (0.058%); highest among the groups gnomAD compares: Admixed American, 0.1%; 2 homozygotes.

Submissions (3):

Ambry Genetics
Classification: Uncertain significance for Inborn genetic diseases. Last evaluated: 2021-08-19. Review status: criteria provided, single submitter. Criteria: Ambry Variant Classification Scheme 2023. Collection method: clinical testing. Allele origin: germline.

Labcorp Genetics (formerly Invitae), Labcorp
Classification: Likely benign. Last evaluated: 2019-12-31. Review status: criteria provided, single submitter. Criteria: Invitae Variant Classification Sherloc (09022015). Collection method: clinical testing. Allele origin: germline.

PreventionGenetics, part of Exact Sciences
Classification: Likely benign for ARMC5-related condition. Last evaluated: 2022-04-11. Review status: no assertion criteria provided. Collection method: clinical testing. Allele origin: germline. Not counted in ClinVar's aggregate classification.
Comment: This variant is classified as likely benign based on ACMG/AMP sequence variant interpretation guidelines (Richards et al. 2015 PMID: 25741868, with internal and published modifications).

NM_001105247.2(ARMC5):c.1495C>T (p.Arg499Trp)

Gene: ARMC5 (armadillo repeat containing 5; plus strand). Cytogenetic location: 16p11.2.
Variant type: single nucleotide variant.
Coding change: c.1495C>T on transcript NM_001105247.2 (MANE Select); coding-DNA position 1495, C replaced by T.
Protein change: p.Arg499Trp; replaces arginine 499 with tryptophan.
Molecular consequence: missense variant.
Genome position (GRCh38, 1-based): chr16:31,464,518, C>T. VCF-style: chr16-31464518-C-T. GRCh37 (hg19) VCF-style: chr16-31475839-C-T.
Other names: c.1780C>T, p.Arg594Trp (NM_001288767.2); c.1591C>T, p.Arg531Trp (NM_001301820.1); c.1495C>T, p.Arg499Trp (NM_024742.2); c.1780C>T (NM_001288767.1); short protein forms R499W, R531W, R594W.
Identifiers: ClinVar variation 715787 (VCV000715787.9), dbSNP rs202069202, ClinGen allele CA8029700.
Genomic context (GRCh38, chr16:31,464,518, plus strand): 5'-GAGCAGTGTCCGCCGGAGCCCATGGAGCCGGCCAGCCCCGCCCCGACCCCGACCTCGCTG[C>T]GGGCACCACGCACCCAACGCACTCCGGGCCGCAGCCCCGCCGCCGCCATCGAGGAGCCTT-3'
Protein context (NP_001098717.1, residues 489-509): ASPAPTPTSL[Arg499Trp]APRTQRTPGR